The following is an entry in ClinVar:

ClinVar aggregate classification (germline): Uncertain significance. Review status: criteria provided, multiple submitters, no conflicts (2 of 4 stars). 2 submissions from 2 submitters: Uncertain significance (2). Last evaluated 2023-10-01.

Allele frequency attached by ClinVar (database versions not stated): gnomAD exomes below 0.00001.

Submissions (2):

Women's Health and Genetics/Laboratory Corporation of America, LabCorp
Classification: Uncertain significance. Last evaluated: 2023-10-01. Review status: criteria provided, single submitter. Criteria: LabCorp Variant Classification Summary - May 2015. Collection method: clinical testing. Allele origin: germline.

CeGaT Center for Human Genetics Tuebingen
Classification: Uncertain significance. Last evaluated: 2022-03-01. Review status: criteria provided, single submitter. Criteria: CeGaT Center For Human Genetics Tuebingen Variant Classification Criteria Version 2. Collection method: clinical testing. Allele origin: germline. Affected: yes. Observed: 2 variant alleles.
Comment: TTN: PM2, BP4

NM_001267550.2(TTN):c.78742A>C (p.Lys26248Gln)

Genes: TTN (titin; minus strand), TTN-AS1 (TTN antisense RNA 1; plus strand). Cytogenetic location: 2q31.2.
Variant type: single nucleotide variant.
Coding change: c.78742A>C on transcript NM_001267550.2 (MANE Select); coding-DNA position 78742, A replaced by C.
Protein change: p.Lys26248Gln; replaces lysine 26248 with glutamine.
Molecular consequence: missense variant.
Genome position (GRCh38, 1-based): chr2:178,567,390, T>G on the plus strand (A>C on the coding strand, the complement: TTN is on the minus strand). VCF-style: chr2-178567390-T-G. GRCh37 (hg19) VCF-style: chr2-179432117-T-G.
Other names: c.73819A>C, p.Lys24607Gln (NM_001256850.1); c.51547A>C, p.Lys17183Gln (NM_003319.4); c.71038A>C, p.Lys23680Gln (NM_133378.4); c.51922A>C, p.Lys17308Gln (NM_133432.3); c.52123A>C, p.Lys17375Gln (NM_133437.4); short protein forms K23680Q, K26248Q, K17183Q, K24607Q, K17308Q, K17375Q.
Identifiers: ClinVar variation 871998 (VCV000871998.41), dbSNP rs1281337813, ClinGen allele CA349601326.